The following is an entry in ClinVar:

NM_194248.3(OTOF):c.4363-6G>A

Gene: OTOF (otoferlin; minus strand). Cytogenetic location: 2p23.3.
Variant type: single nucleotide variant.
Coding change: c.4363-6G>A on transcript NM_194248.3 (MANE Select); 6 bases into the intron before coding-DNA position 4363, G replaced by A.
Molecular consequence: intron variant.
Genome position (GRCh38, 1-based): chr2:26,466,857, C>T on the plus strand (G>A on the coding strand, the complement: OTOF is on the minus strand). VCF-style: chr2-26466857-C-T. GRCh37 (hg19) VCF-style: chr2-26689725-C-T.
Other names: c.4363-6G>A (NM_001287489.2); c.2062-6G>A (NM_194323.3, NM_004802.4); c.2293-6G>A (NM_194322.3).
Identifiers: ClinVar variation 505368 (VCV000505368.13), dbSNP rs199567872, ClinGen allele CA1563185.

ClinVar aggregate classification (germline): Conflicting classifications of pathogenicity. Review status: criteria provided, conflicting classifications (1 of 4 stars). 3 submissions from 3 submitters: Uncertain significance (2); Likely benign (1). Last evaluated 2025-09-23.

Allele frequency attached by ClinVar (database versions not stated): ExAC 0.00007; gnomAD 0.00011 and 0.00015; gnomAD exomes 0.00012; TOPMed 0.00012.
gnomAD v4.1: 132 of 1,614,006 alleles (0.0082%); highest among the groups gnomAD compares: Admixed American, 0.068%; no homozygotes.

Submissions (3):

Labcorp Genetics (formerly Invitae), Labcorp
Classification: Likely benign. Last evaluated: 2025-09-23. Review status: criteria provided, single submitter. Criteria: Invitae Variant Classification Sherloc (09022015). Collection method: clinical testing. Allele origin: germline.

Blueprint Genetics
Classification: Uncertain significance. Last evaluated: 2024-09-30. Review status: criteria provided, single submitter. Criteria: ACMG Guidelines, 2015. Collection method: clinical testing. Allele origin: germline.

Laboratory for Molecular Medicine, Mass General Brigham Personalized Medicine
Classification: Uncertain significance. Last evaluated: 2016-10-25. Review status: criteria provided, single submitter. Criteria: LMM Criteria. Collection method: clinical testing. Allele origin: germline. Observed: 1 variant allele.
Comment: The c.4363-6G>A variant in OTOF has not been previously reported in individuals with hearing loss, but has been identified in 4/11568 Latino and 4/66578 Europea n chromosomes by the Exome Aggregation Consortium (ExAC; dbSNP rs199567872). Although this variant has been seen in the general population, its frequency is not high enough to rule out a pathogenic role. Th is variant is located in the 3' splice region. Computational tools do not sugges t an impact to splicing. However, this information is not predictive enough to r ule out pathogenicity. In summary, the clinical significance of the c.4363-6G>A variant is uncertain.